The following is an entry in ClinVar:

ClinVar aggregate classification (germline): Conflicting classifications of pathogenicity. Review status: criteria provided, conflicting classifications (1 of 4 stars). 8 submissions from 8 submitters: Uncertain significance (6); Likely benign (2). Last evaluated 2026-10-12.

Conditions:
Cardiovascular phenotype. Identifiers: MedGen CN230736.
Familial isolated arrhythmogenic right ventricular dysplasia. Identifiers: Orphanet 217656, MedGen C4274968, MONDO:0016342.
Cardiomyopathy (CMYO). Also called: Cardiomyopathies. Identifiers: Orphanet 167848, MedGen C0878544, MONDO:0004994, HP:0001638. Inheritance: Various modes of inheritance.
Arrhythmogenic right ventricular dysplasia 11. Also called: Arrhythmogenic Right Ventricular Dysplasia/Cardiomyopathy11; ARRHYTHMOGENIC RIGHT VENTRICULAR DYSPLASIA, FAMILIAL, 11; Arrhythmogenic right ventricular dysplasia 11 with mild palmoplantar keratoderma and woolly hair. Identifiers: MedGen C1864850, MONDO:0012506, OMIM 610476.

Allele frequency attached by ClinVar (database versions not stated): ExAC 0.00003; gnomAD exomes 0.00006 and 0.00009; TOPMed 0.00012; gnomAD 0.00009 and 0.00010; ESP Exome Variant Server 0.00031.
gnomAD v4.1: 141 of 1,613,806 alleles (0.0087%); highest among the groups gnomAD compares: Non-Finnish European, 0.011%; no homozygotes.

Submissions (8):

GeneDx
Classification: Uncertain significance. Last evaluated: 2026-10-12. Review status: criteria provided, single submitter. Criteria: GeneDx Variant Classification Process June 2021. Collection method: clinical testing. Allele origin: germline.
Comment: In silico analysis suggests that this missense variant does not alter protein structure/function; This variant is associated with the following publications: (PMID: 23299917, 20646679, 31402444, 30847666, 32880476, 21606390, 38689299, 37937776)

Labcorp Genetics (formerly Invitae), Labcorp
Classification: Uncertain significance for Arrhythmogenic right ventricular dysplasia 11. Last evaluated: 2026-01-31. Review status: criteria provided, single submitter. Criteria: Invitae Variant Classification Sherloc (09022015). Collection method: clinical testing. Allele origin: germline.
Comment: This sequence change replaces serine, which is neutral and polar, with asparagine, which is neutral and polar, at codon 574 of the DSC2 protein (p.Ser574Asn). This variant is present in population databases (rs150318400, gnomAD 0.01%). This missense change has been observed in individual(s) with arrhythmogenic right ventricular dyplasia/cardiomyopathy, dilated cardiomyopathy, and/or unspecified cardiomyopathy (PMID: 20646679, 21606390, 30847666, 32880476, 37937776). ClinVar contains an entry for this variant (Variation ID: 178018). Invitae Evidence Modeling of protein sequence and biophysical properties (such as structural, functional, and spatial information, amino acid conservation, physicochemical variation, residue mobility, and thermodynamic stability) indicates that this missense variant is not expected to disrupt DSC2 protein function with a negative predictive value of 80%. In summary, the available evidence is currently insufficient to determine the role of this variant in disease. Therefore, it has been classified as a Variant of Uncertain Significance.

Women's Health and Genetics/Laboratory Corporation of America, LabCorp
Classification: Likely benign. Last evaluated: 2024-11-29. Review status: criteria provided, single submitter. Criteria: LabCorp Variant Classification Summary - May 2015. Collection method: clinical testing. Allele origin: germline.
Comment: Variant summary: DSC2 c.1721G>A (p.Ser574Asn) results in a conservative amino acid change located in the Cadherin-like domain (IPR002126) of the encoded protein sequence. Five of five in-silico tools predict a benign effect of the variant on protein function. The variant allele was found at a frequency of 6.4e-05 in 251034 control chromosomes, predominantly at a frequency of 0.00014 within the Non-Finnish European subpopulation in the gnomAD database. The observed variant frequency within Non-Finnish European control individuals in the gnomAD database is approximately 5.6 fold of the estimated maximal expected allele frequency for a pathogenic variant in DSC2 causing Cardiomyopathy phenotype (2.5e-05). c.1721G>A has been reported in the literature in individuals affected with DSC2-related conditions (examples: van der Werf_2010, van Lint_2019, Verdonschot_2020) . These report(s) do not provide unequivocal conclusions about association of the variant with Cardiomyopathy. Co-occurrence with another pathogenic variant has been reported (KCNQ1 c.1781G>A, p.R594Q), providing supporting evidence for a benign role (Internal sample). The following publications have been ascertained in the context of this evaluation (PMID: 21606390, 23299917, 20646679, 30847666, 31402444, 32880476, 38689299).ClinVar contains an entry for this variant (Variation ID: 178018). Based on the evidence outlined above, the variant was classified as likely benign.

Color Diagnostics, LLC DBA Color Health
Classification: Uncertain significance for Cardiomyopathy. Last evaluated: 2024-01-25. Review status: criteria provided, single submitter. Criteria: ACMG Guidelines, 2015. Collection method: clinical testing. Allele origin: germline.
Comment: This missense variant replaces serine with asparagine at codon 574 of the DSC2 protein. Computational prediction suggests that this variant may not impact protein structure and function (internally defined REVEL score threshold <= 0.5, PMID: 27666373). To our knowledge, functional studies have not been reported for this variant. This variant has been reported in individuals affected with arrhythmogenic right ventricular cardiomyopathy (PMID: 21606390), dilated cardiomyopathy, and unspecified cardiomyopathy (PMID: 30847666, 32880476, 37198425). This variant has also been identified in 17/282410 chromosomes in the general population by the Genome Aggregation Database (gnomAD). The available evidence is insufficient to determine the role of this variant in disease conclusively. Therefore, this variant is classified as a Variant of Uncertain Significance.

All of Us Research Program, National Institutes of Health
Classification: Uncertain significance for Familial isolated arrhythmogenic right ventricular dysplasia. Last evaluated: 2023-12-15. Review status: criteria provided, single submitter. Criteria: ACMG Guidelines, 2015. Collection method: clinical testing. Allele origin: germline. Inheritance: Autosomal dominant inheritance. Observed: 18 variant alleles, 18 heterozygotes.
Comment: This missense variant replaces serine with asparagine at codon 574 of the DSC2 protein. Computational prediction suggests that this variant may not impact protein structure and function (internally defined REVEL score threshold <= 0.5, PMID: 27666373). To our knowledge, functional studies have not been reported for this variant. This variant has been reported in an individuals affected with arrhythmogenic right ventricular cardiomyopathy (PMID: 21606390). This variant has also been identified in 17/282410 chromosomes in the general population by the Genome Aggregation Database (gnomAD). The available evidence is insufficient to determine the role of this variant in disease conclusively. Therefore, this variant is classified as a Variant of Uncertain Significance.

This study involves interpretation of variants in research participants for the purpose of population health screening. Participant phenotype was not available at the time of variant classification. Additional details can be found in publication PMID: 35346344, PMCID: PMC8962531

Ambry Genetics
Classification: Likely benign for Cardiovascular phenotype. Last evaluated: 2021-06-11. Review status: criteria provided, single submitter. Criteria: Ambry Variant Classification Scheme 2023. Collection method: clinical testing. Allele origin: germline.

ARUP Laboratories, Molecular Genetics and Genomics, ARUP Laboratories
Classification: Uncertain significance. Last evaluated: 2020-07-24. Review status: criteria provided, single submitter. Criteria: ARUP Molecular Germline Variant Investigation Process. Collection method: clinical testing. Allele origin: germline.
Comment: The DSC2 c.1721G>A; p.Ser574Asn variant (rs150318400) is reported in the literature in an individual affected with arrhythmogenic right ventricular cardiomyopathy (ARVC) and in the parent of a child with sudden unexpected death and suspected ARVC (Quarta 2011, van der Werf 2010). This variant is found in the non-Finnish European population with an overall allele frequency of 0.01% (16/128894 alleles) in the Genome Aggregation Database. The serine at codon 574 is weakly conserved, and computational analyses (SIFT, PolyPhen-2) predict that this variant is tolerated. However, given the lack of clinical and functional data, the significance of the p.Ser574Asn variant is uncertain at this time. References: Quarta et al. Familial evaluation in arrhythmogenic right ventricular cardiomyopathy: impact of genetics and revised task force criteria. Circulation. 2011;123(23):2701-2709. van der Werf C et al. Diagnostic yield in sudden unexplained death and aborted cardiac arrest in the young: the experience of a tertiary referral center in The Netherlands. Heart Rhythm. 2010;7(10):1383-1389.

Laboratory for Molecular Medicine, Mass General Brigham Personalized Medicine
Classification: Uncertain significance. Last evaluated: 2014-05-01. Review status: criteria provided, single submitter. Criteria: LMM Criteria. Collection method: clinical testing. Allele origin: germline. Observed: 1 variant allele.
Comment: The Ser574Asn variant in DSC2 has been reported in 1 individual with ARVC (Quart a 2011). It has also been identified in 4/8600 European American chromosomes by the NHLBI Exome Sequencing Project (dbSNP rs1 50318400). Serine (Ser) at position 574 is not conserved evolution, raising the possibility that a change at this position may be tolerated. In summary, the cli nical significance of the Ser574Asn variant is uncertain.

Literature cited by the submitters: PubMed 20646679 (cited by Labcorp Genetics (formerly Invitae), Labcorp and Women's Health and Genetics/Laboratory Corporation of America, LabCorp); PubMed 21606390 (cited by 5 submitters); PubMed 30847666 (cited by 3 submitters); PubMed 32880476 (cited by 3 submitters); PubMed 37937776 (cited by Labcorp Genetics (formerly Invitae), Labcorp); PubMed 23299917 (cited by Women's Health and Genetics/Laboratory Corporation of America, LabCorp); PubMed 31402444 (cited by Women's Health and Genetics/Laboratory Corporation of America, LabCorp); PubMed 38689299 (cited by Women's Health and Genetics/Laboratory Corporation of America, LabCorp); PubMed 37198425 (cited by Color Diagnostics, LLC DBA Color Health).

NM_024422.6(DSC2):c.1721G>A (p.Ser574Asn)

Gene: DSC2 (desmocollin 2; minus strand). Cytogenetic location: 18q12.1.
Variant type: single nucleotide variant.
Coding change: c.1721G>A on transcript NM_024422.6 (MANE Select); coding-DNA position 1721, G replaced by A.
Protein change: p.Ser574Asn; replaces serine 574 with asparagine.
Molecular consequence: missense variant.
Genome position (GRCh38, 1-based): chr18:31,074,850, C>T on the plus strand (G>A on the coding strand, the complement: DSC2 is on the minus strand). VCF-style: chr18-31074850-C-T. GRCh37 (hg19) VCF-style: chr18-28654816-C-T.
Other names: p.S574N:AGC>AAC; c.1721G>A, p.Ser574Asn (NM_004949.5); short protein forms S574N.
Identifiers: ClinVar variation 178018 (VCV000178018.44), dbSNP rs150318400, ClinGen allele CA022541.